The following is an entry in ClinVar:

NM_001257096.2(PAX1):c.112C>T (p.Gln38Ter)

Gene: PAX1 (paired box 1; plus strand). Cytogenetic location: 20p11.22.
Variant type: single nucleotide variant.
Coding change: c.112C>T on transcript NM_001257096.2 (MANE Select); coding-DNA position 112, C replaced by T.
Protein change: p.Gln38Ter; replaces glutamine 38 with a stop codon.
Molecular consequence: nonsense.
Genome position (GRCh38, 1-based): chr20:21,705,824, C>T. VCF-style: chr20-21705824-C-T. GRCh37 (hg19) VCF-style: chr20-21686462-C-T.
Other names: c.112C>T, p.Gln38Ter (NM_006192.5); short protein forms Q38*.
Identifiers: ClinVar variation 1355743 (VCV001355743.6), dbSNP rs1255841566, ClinGen allele CA408496890.

ClinVar aggregate classification (germline): Pathogenic (1 of 4 stars; one submission).

Allele frequency attached by ClinVar (database versions not stated): gnomAD 0.00001.

Submission:

Labcorp Genetics (formerly Invitae), Labcorp
Classification: Pathogenic. Last evaluated: 2026-01-21. Review status: criteria provided, single submitter. Criteria: Invitae Variant Classification Sherloc (09022015). Collection method: clinical testing. Allele origin: germline.
Comment: This sequence change creates a premature translational stop signal (p.Gln38*) in the PAX1 gene. It is expected to result in an absent or disrupted protein product. Loss-of-function variants in PAX1 are known to be pathogenic (PMID: 1889089, 23851939, 28657137, 29681087). This variant is not present in population databases (gnomAD no frequency). This variant has not been reported in the literature in individuals affected with PAX1-related conditions. ClinVar contains an entry for this variant (Variation ID: 1355743). For these reasons, this variant has been classified as Pathogenic.

Literature cited by the submitters: PubMed 1889089; PubMed 23851939; PubMed 28657137; PubMed 29681087.